The following is an entry in ClinVar:

NM_001377530.1(DMBT1):c.7236C>T (p.Tyr2412=)

Genes: DMBT1 (deleted in malignant brain tumors 1; plus strand), LOC126861068 (BRD4-independent group 4 enhancer GRCh37_chr10:124398858-124400057; plus strand). Cytogenetic location: 10q26.13.
Variant type: single nucleotide variant.
Coding change: c.7236C>T on transcript NM_001377530.1 (MANE Select); coding-DNA position 7236, C replaced by T.
Protein change: p.Tyr2412=; no amino-acid change (tyrosine 2412 retained).
Molecular consequence: synonymous variant.
Genome position (GRCh38, 1-based): chr10:122,640,333, C>T. VCF-style: chr10-122640333-C-T. GRCh37 (hg19) VCF-style: chr10-124399849-C-T.
Other names: c.6846C>T, p.Tyr2282= (NM_001320644.2); c.4965C>T, p.Tyr1655= (NM_004406.3); c.6849C>T, p.Tyr2283= (NM_007329.3); c.6819C>T, p.Tyr2273= (NM_017579.3).
Identifiers: ClinVar variation 3044019 (VCV003044019.2), dbSNP rs563255039, ClinGen allele CA5728471.

ClinVar aggregate classification (germline): Likely benign (0 of 4 stars; one submission).

Conditions:
DMBT1-related disorder. Also called: DMBT1-related condition.

Allele frequency attached by ClinVar (database versions not stated): gnomAD 0.00001; TOPMed 0.00002; ExAC 0.00003.
gnomAD v4.1: 60 of 1,613,928 alleles (0.0037%); highest among the groups gnomAD compares: Middle Eastern, 0.033%; no homozygotes.

Submission:

PreventionGenetics, part of Exact Sciences
Classification: Likely benign for DMBT1-related condition. Last evaluated: 2019-06-05. Review status: no assertion criteria provided. Collection method: clinical testing. Allele origin: germline.
Comment: This variant is classified as likely benign based on ACMG/AMP sequence variant interpretation guidelines (Richards et al. 2015 PMID: 25741868, with internal and published modifications).